The following is an entry in ClinVar:

ClinVar aggregate classification (germline): Likely benign. Review status: criteria provided, multiple submitters, no conflicts (2 of 4 stars). 3 submissions from 3 submitters: Likely benign (3). Last evaluated 2023-11-01.

Conditions:
Hereditary cancer-predisposing syndrome. Also called: Neoplastic Syndromes, Hereditary; Tumor predisposition; Hereditary neoplastic syndrome; Hereditary Cancer Syndrome. Identifiers: Orphanet 140162, MedGen C0027672, MeSH D009386, MONDO:0015356.
Multiple endocrine neoplasia, type 2 (MEN2). Identifiers: Orphanet 653, MedGen C4048306, MONDO:0019003. Disease mechanism: gain of function.

Submissions (3):

CeGaT Center for Human Genetics Tuebingen
Classification: Likely benign. Last evaluated: 2023-11-01. Review status: criteria provided, single submitter. Criteria: CeGaT Center For Human Genetics Tuebingen Variant Classification Criteria Version 2. Collection method: clinical testing. Allele origin: germline. Affected: yes. Observed: 2 variant alleles.
Comment: RET: PM2:Supporting, BP4, BP7

Ambry Genetics
Classification: Likely benign for Hereditary cancer-predisposing syndrome. Last evaluated: 2022-09-18. Review status: criteria provided, single submitter. Criteria: Ambry Variant Classification Scheme 2023. Collection method: clinical testing. Allele origin: germline.

Labcorp Genetics (formerly Invitae), Labcorp
Classification: Likely benign for Multiple endocrine neoplasia, type 2. Last evaluated: 2022-03-23. Review status: criteria provided, single submitter. Criteria: Invitae Variant Classification Sherloc (09022015). Collection method: clinical testing. Allele origin: germline.

NM_020975.6(RET):c.723C>A (p.Ala241=)

Gene: RET (ret proto-oncogene; plus strand). Cytogenetic location: 10q11.21.
Variant type: single nucleotide variant.
Coding change: c.723C>A on transcript NM_020975.6 (MANE Select); coding-DNA position 723, C replaced by A.
Protein change: p.Ala241=; no amino-acid change (alanine 241 retained).
Molecular consequence: synonymous variant. On other transcripts: 5 prime UTR variant (1), intron variant (22).
Genome position (GRCh38, 1-based): chr10:43,105,049, C>A. VCF-style: chr10-43105049-C-A. GRCh37 (hg19) VCF-style: chr10-43600497-C-A.
Other names: c.723C>A, p.Ala241= (NM_000323.2, NM_001406743.1, NM_001406744.1 and 8 more transcripts); c.-40C>A (NM_001355216.2); c.594C>A, p.Ala198= (NM_001406761.1, NM_001406762.1, NM_001406764.1 and 2 more transcripts); c.435C>A, p.Ala145= (NM_001406766.1, NM_001406767.1, NM_001406770.1); c.625+2420C>A (NM_001406773.1, NM_001406771.1, NM_001406782.1 and 5 more transcripts); c.496+2420C>A (NM_001406786.1, NM_001406783.1); c.338-3982C>A (NM_001406778.1, NM_001406775.1, NM_001406776.1 and 1 more transcripts); c.337+4327C>A (NM_001406790.1, NM_001406788.1, NM_001406789.1 and 1 more transcripts); and 2 more.
Identifiers: ClinVar variation 1098072 (VCV001098072.35), dbSNP rs544252468, ClinGen allele CA469022107.
Genomic context (GRCh38, chr10:43,105,049, plus strand): 5'-GGAGGTGAGCACGCGCTGGGCCCTGGACCGCGAGCAGCGGGAGAAGTACGAGCTGGTGGC[C>A]GTGTGCACCGTGCACGCCGGCGCGCGCGAGGAGGTGGTGATGGTGCCCTTCCCGGTGACC-3'
Protein context (NP_066124.1, residues 231-251): REQREKYELV[Ala241=]VCTVHAGARE